The following is an entry in ClinVar:

NM_002691.4(POLD1):c.926_933dup (p.Val312fs)

Gene: POLD1 (DNA polymerase delta 1, catalytic subunit; plus strand). Cytogenetic location: 19q13.33.
Variant type: Duplication.
Coding change: c.926_933dup on transcript NM_002691.4 (MANE Select); coding-DNA positions 926 to 933, 8 bases duplicated (CCTTGCGC; older notation c.926_933dupCCTTGCGC).
Protein change: p.Val312fs; shifts the reading frame from valine 312.
Molecular consequence: frameshift variant. On other transcripts: non-coding transcript variant (1).
Genome position (GRCh38, 1-based): chr19:50,402,697-50,402,704, CCTTGCGC duplicated; duplicating any 8 consecutive bases within chr19:50,402,691-50,402,704 gives the same sequence; the c. name uses the placement nearest the transcript's 3' end. VCF-style (leftmost placement, unchanged base first): chr19-50402690-A-ATTGCGCCC. GRCh37 (hg19) VCF-style: chr19-50905947-A-ATTGCGCCC.
Other names: c.926_933dup, p.Val312fs (NM_001256849.1, NM_001308632.1); short protein forms V312fs.
Identifiers: ClinVar variation 1766376 (VCV001766376.2), dbSNP rs2513969500, ClinGen allele CA2580097688.
Genomic context (GRCh38, chr19:50,402,690, plus strand): 5'-GAGGCGGACGTGCTGTGGTCTGACGTGGTCAGTCACCCACCGGAAGGGCCATGGCAGCGC[A>ATTGCGCCC]TTGCGCCCTTGCGCGTGCTCAGCTTCGATATCGAGTGCGCCGGCCGCAAAGGTCTGTCCC-3'

ClinVar aggregate classification (germline): Uncertain significance (1 of 4 stars; one submission).

Conditions:
Hereditary cancer-predisposing syndrome. Also called: Hereditary Cancer Syndrome; Hereditary neoplastic syndrome; Neoplastic Syndromes, Hereditary; Tumor predisposition. Identifiers: Orphanet 140162, MedGen C0027672, MeSH D009386, MONDO:0015356.

Submission:

Ambry Genetics
Classification: Uncertain significance for Hereditary cancer-predisposing syndrome. Last evaluated: 2021-06-07. Review status: criteria provided, single submitter. Criteria: Ambry Variant Classification Scheme 2023. Collection method: clinical testing. Allele origin: germline.
Comment: The c.926_933dupCCTTGCGC variant, located in coding exon 7 of the POLD1 gene, results from a duplication of CCTTGCGC at nucleotide position 926, causing a translational frameshift with a predicted alternate stop codon (p.V312Pfs*84). This alteration is expected to result in premature protein truncation or nonsense-mediated mRNA decay. However, loss of function of POLD1 has not been clearly established as a mechanism of disease. Since supporting evidence is limited at this time, the clinical significance of this alteration remains unclear.